The following is an entry in ClinVar:

NM_002470.4(MYH3):c.897A>G (p.Ile299Met)

Gene: MYH3 (myosin heavy chain 3; minus strand). Cytogenetic location: 17p13.1.
Variant type: single nucleotide variant.
Coding change: c.897A>G on transcript NM_002470.4 (MANE Select); coding-DNA position 897, A replaced by G.
Protein change: p.Ile299Met; replaces isoleucine 299 with methionine.
Molecular consequence: missense variant.
Genome position (GRCh38, 1-based): chr17:10,647,183, T>C on the plus strand (A>G on the coding strand, the complement: MYH3 is on the minus strand). VCF-style: chr17-10647183-T-C. GRCh37 (hg19) VCF-style: chr17-10550500-T-C.
Other names: short protein forms I299M.
Identifiers: ClinVar variation 1721882 (VCV001721882.5), dbSNP rs2508630747, ClinGen allele CA398177598.
Genomic context (GRCh38, chr17:10,647,183, plus strand): 5'-TGGTCTAGTGATCAGAGTCAAACTACCTAAAAGACCAGCCCCACTGGTGACTTCCTCACC[T>C]ATGAGCTCAGGCTTCTTGTTAGAAAGAATCTGGTAGAAGATGTGGTAGCTTCTTTCAGCC-3'
Protein context (NP_002461.2, residues 289-309): QILSNKKPEL[Ile299Met]ELLLITTNPY

ClinVar aggregate classification (germline): Uncertain significance (1 of 4 stars; one submission).

Submission:

Labcorp Genetics (formerly Invitae), Labcorp
Classification: Uncertain significance. Last evaluated: 2022-07-21. Review status: criteria provided, single submitter. Criteria: Invitae Variant Classification Sherloc (09022015). Collection method: clinical testing. Allele origin: germline.
Comment: This sequence change replaces isoleucine, which is neutral and non-polar, with methionine, which is neutral and non-polar, at codon 299 of the MYH3 protein (p.Ile299Met). This variant is not present in population databases (gnomAD no frequency). This variant has not been reported in the literature in individuals affected with MYH3-related conditions. Algorithms developed to predict the effect of missense changes on protein structure and function are either unavailable or do not agree on the potential impact of this missense change (SIFT: "Deleterious"; PolyPhen-2: "Benign"; Align-GVGD: "Class C0"). In summary, the available evidence is currently insufficient to determine the role of this variant in disease. Therefore, it has been classified as a Variant of Uncertain Significance.